The following is an entry in ClinVar:

ClinVar aggregate classification (germline): Uncertain significance (1 of 4 stars; one submission).

Allele frequency attached by ClinVar (database versions not stated): gnomAD exomes below 0.00001.
gnomAD v4.1: 1 of 1,211,228 alleles (0.000083%); highest among the groups gnomAD compares: Non-Finnish European, 0.00011%; no homozygotes.

Submission:

GeneDx
Classification: Uncertain significance. Last evaluated: 2017-07-28. Review status: criteria provided, single submitter. Criteria: GeneDx Variant Classification (06012015). Collection method: clinical testing. Allele origin: germline. Affected: yes.
Comment: The P508R variant has not been published as a pathogenic variant, nor has it been reported as a benign variant to our knowledge. The P508R variant is not observed in large population cohorts (Lek et al., 2016; 1000 Genomes Consortium et al., 2015; Exome Variant Server). The P508R variant is a non-conservative amino acid substitution, which is likely to impact secondary protein structure as these residues differ in polarity, charge, size and/or other properties. This substitution occurs at a position that is conserved across species, and in silico analysis predicts this variant is probably damaging to the protein structure/function. Based on the currently available information, it is unclear whether this variant is a pathogenic variant or a rare benign variant.

NM_181303.2(NLGN3):c.1583C>G (p.Pro528Arg)

Gene: NLGN3 (neuroligin 3; plus strand). Cytogenetic location: Xq13.1.
Variant type: single nucleotide variant.
Coding change: c.1583C>G on transcript NM_181303.2 (MANE Select); coding-DNA position 1583, C replaced by G.
Protein change: p.Pro528Arg; replaces proline 528 with arginine.
Molecular consequence: missense variant.
Genome position (GRCh38, 1-based): chrX:71,167,680, C>G. VCF-style: chrX-71167680-C-G. GRCh37 (hg19) VCF-style: chrX-70387530-C-G.
Other names: c.1463C>G, p.Pro488Arg (NM_001166660.2); c.1172C>G, p.Pro391Arg (NM_001321276.2); c.1523C>G, p.Pro508Arg (NM_018977.4); short protein forms P508R, P391R, P488R, P528R.
Identifiers: ClinVar variation 450874 (VCV000450874.2), dbSNP rs1556350933, ClinGen allele CA413563359.